The following is an entry in ClinVar:

ClinVar aggregate classification (germline): Uncertain significance (1 of 4 stars; one submission).

gnomAD v4.1: 19 of 1,431,420 alleles (0.0013%); highest among the groups gnomAD compares: Admixed American, 0.0028%; no homozygotes.

Submission:

Women's Health and Genetics/Laboratory Corporation of America, LabCorp
Classification: Uncertain significance. Last evaluated: 2025-12-10. Review status: criteria provided, single submitter. Criteria: LabCorp Variant Classification Summary - May 2015. Collection method: clinical testing. Allele origin: germline.
Comment: Variant summary: CACNA1A c.*529C>T is located in the untranslated mRNA region downstream of the termination codon. The variant allele was found at a frequency of 1.5e-05 in 64636 control chromosomes. The available data on variant occurrences in the general population are insufficient to allow any conclusion about variant significance. To our knowledge, no occurrence of c.*529C>T in individuals affected with CACNA1A-related conditions and no experimental evidence demonstrating its impact on protein function have been reported. No submitters have cited clinical-significance assessments for this variant to ClinVar. Based on the evidence outlined above, the variant was classified as uncertain significance.

NM_001127222.2(CACNA1A):c.7317C>T (p.Pro2439=)

Gene: CACNA1A (calcium voltage-gated channel subunit alpha1 A; minus strand). Cytogenetic location: 19p13.13.
Variant type: single nucleotide variant.
Coding change: c.7317C>T on transcript NM_001127222.2 (MANE Select); coding-DNA position 7317, C replaced by T.
Protein change: p.Pro2439=; no amino-acid change (proline 2439 retained).
Molecular consequence: synonymous variant. On other transcripts: 3 prime UTR variant (3).
Genome position (GRCh38, 1-based): chr19:13,207,517, G>A on the plus strand (C>T on the coding strand, the complement: CACNA1A is on the minus strand). VCF-style: chr19-13207517-G-A. GRCh37 (hg19) VCF-style: chr19-13318331-G-A.
Other names: c.*529C>T (NM_000068.4, NM_001127221.2, NM_001174080.2); c.7335C>T, p.Pro2445= (NM_023035.3).
Identifiers: ClinVar variation 4688411 (VCV004688411.1).